The following is an entry in ClinVar:

NM_005045.4(RELN):c.6962C>A (p.Thr2321Lys)

Gene: RELN (reelin; minus strand). Cytogenetic location: 7q22.1.
Variant type: single nucleotide variant.
Coding change: c.6962C>A on transcript NM_005045.4 (MANE Select); coding-DNA position 6962, C replaced by A.
Protein change: p.Thr2321Lys; replaces threonine 2321 with lysine.
Molecular consequence: missense variant.
Genome position (GRCh38, 1-based): chr7:103,539,296, G>T on the plus strand (C>A on the coding strand, the complement: RELN is on the minus strand). VCF-style: chr7-103539296-G-T. GRCh37 (hg19) VCF-style: chr7-103179743-G-T.
Other names: c.6962C>A, p.Thr2321Lys (NM_173054.3); short protein forms T2321K.
Identifiers: ClinVar variation 2932827 (VCV002932827.3), dbSNP rs116065504, ClinGen allele CA368769451.

ClinVar aggregate classification (germline): Uncertain significance (1 of 4 stars; one submission).

Conditions:
Norman-Roberts syndrome (LIS2). Also called: Lissencephaly 2 (Norman-Roberts type). Identifiers: Orphanet 89844, MedGen C0796089, MONDO:0009760, OMIM 257320.
Familial temporal lobe epilepsy 7. Identifiers: Orphanet 101046, MedGen C4225327, MONDO:0014639, OMIM 616436.

gnomAD v4.1: 1 of 1,613,758 alleles (0.000062%); highest among the groups gnomAD compares: Non-Finnish European, 0.000085%; no homozygotes.

Submission:

Labcorp Genetics (formerly Invitae), Labcorp
Classification: Uncertain significance for Familial temporal lobe epilepsy 7; Norman-Roberts syndrome. Last evaluated: 2023-01-31. Review status: criteria provided, single submitter. Criteria: Invitae Variant Classification Sherloc (09022015). Collection method: clinical testing. Allele origin: germline.
Comment: In summary, the available evidence is currently insufficient to determine the role of this variant in disease. Therefore, it has been classified as a Variant of Uncertain Significance. Algorithms developed to predict the effect of sequence changes on RNA splicing suggest that this variant may disrupt the consensus splice site. This sequence change replaces threonine, which is neutral and polar, with lysine, which is basic and polar, at codon 2321 of the RELN protein (p.Thr2321Lys). This variant is not present in population databases (gnomAD no frequency). This variant has not been reported in the literature in individuals affected with RELN-related conditions. Advanced modeling of protein sequence and biophysical properties (such as structural, functional, and spatial information, amino acid conservation, physicochemical variation, residue mobility, and thermodynamic stability) performed at Invitae indicates that this missense variant is not expected to disrupt RELN protein function.